The following is an entry in ClinVar:

NM_006245.4(PPP2R5D):c.19A>C (p.Lys7Gln)

Gene: PPP2R5D (protein phosphatase 2 regulatory subunit B'delta; plus strand). Cytogenetic location: 6p21.1.
Variant type: single nucleotide variant.
Coding change: c.19A>C on transcript NM_006245.4 (MANE Select); coding-DNA position 19, A replaced by C.
Protein change: p.Lys7Gln; replaces lysine 7 with glutamine.
Molecular consequence: missense variant. On other transcripts: 5 prime UTR variant (1).
Genome position (GRCh38, 1-based): chr6:42,984,696, A>C. VCF-style: chr6-42984696-A-C. GRCh37 (hg19) VCF-style: chr6-42952434-A-C.
Other names: c.-452A>C (NM_001270476.2); c.19A>C, p.Lys7Gln (NM_180976.3, NM_180977.3); short protein forms K7Q.
Identifiers: ClinVar variation 3659361 (VCV003659361.2).

ClinVar aggregate classification (germline): Uncertain significance (1 of 4 stars; one submission).

Submission:

Labcorp Genetics (formerly Invitae), Labcorp
Classification: Uncertain significance. Last evaluated: 2024-07-23. Review status: criteria provided, single submitter. Criteria: Invitae Variant Classification Sherloc (09022015). Collection method: clinical testing. Allele origin: germline.
Comment: This sequence change replaces lysine, which is basic and polar, with glutamine, which is neutral and polar, at codon 7 of the PPP2R5D protein (p.Lys7Gln). This variant is not present in population databases (gnomAD no frequency). This variant has not been reported in the literature in individuals affected with PPP2R5D-related conditions. An algorithm developed to predict the effect of missense changes on protein structure and function (PolyPhen-2) suggests that this variant is likely to be tolerated. In summary, the available evidence is currently insufficient to determine the role of this variant in disease. Therefore, it has been classified as a Variant of Uncertain Significance.